The following is an entry in ClinVar:

ClinVar aggregate classification (germline): Conflicting classifications of pathogenicity. Review status: criteria provided, conflicting classifications (1 of 4 stars). 3 submissions from 3 submitters: Likely pathogenic (1); Uncertain significance (2). Last evaluated 2024-01-30.

Conditions:
Diffuse cerebral and cerebellar atrophy - intractable seizures - progressive microcephaly syndrome. Also called: Microcephaly, progressive, with seizures and cerebral and cerebellar atrophy. Identifiers: Orphanet 404437, MedGen C4014239, MONDO:0014335, OMIM 615760.

gnomAD v4.1: 10 of 1,612,022 alleles (0.00062%); highest among the groups gnomAD compares: Non-Finnish European, 0.00085%; no homozygotes.

Submissions (3):

GeneDx
Classification: Likely pathogenic. Last evaluated: 2024-01-30. Review status: criteria provided, single submitter. Criteria: GeneDx Variant Classification Process June 2021. Collection method: clinical testing. Allele origin: germline. Affected: yes.
Comment: In silico analysis supports that this missense variant has a deleterious effect on protein structure/function; Not observed at significant frequency in large population cohorts (gnomAD); This variant is associated with the following publications: (PMID: 29875423, 32934367, 25471517, 34946966, 32042906)

Institute of Human Genetics, University of Leipzig Medical Center
Classification: Uncertain significance for Diffuse cerebral and cerebellar atrophy - intractable seizures - progressive microcephaly syndrome. Last evaluated: 2022-09-15. Review status: criteria provided, single submitter. Criteria: ACMG Guidelines, 2015. Collection method: clinical testing. Allele origin: unknown. Affected: yes.
Comment: _x000D_This variant was identified as compound heterozygous with NM_005051.3:c.839A>G. Criteria applied: PM1, PM2_SUP, PP3

Labcorp Genetics (formerly Invitae), Labcorp
Classification: Uncertain significance for Diffuse cerebral and cerebellar atrophy - intractable seizures - progressive microcephaly syndrome. Last evaluated: 2022-06-20. Review status: criteria provided, single submitter. Criteria: Invitae Variant Classification Sherloc (09022015). Collection method: clinical testing. Allele origin: germline.
Comment: This sequence change replaces arginine, which is basic and polar, with cysteine, which is neutral and slightly polar, at codon 265 of the QARS protein (p.Arg265Cys). This variant is not present in population databases (gnomAD no frequency). This missense change has been observed in individual(s) with clinical features of microcephaly, progressive, with seizures and cerebral and cerebellar atrophy or early-onset epileptic encephalopathy (PMID: 29875423). Algorithms developed to predict the effect of missense changes on protein structure and function (SIFT, PolyPhen-2, Align-GVGD) all suggest that this variant is likely to be disruptive. In summary, the available evidence is currently insufficient to determine the role of this variant in disease. Therefore, it has been classified as a Variant of Uncertain Significance.

Literature cited by the submitters: PubMed 29875423 (cited by Labcorp Genetics (formerly Invitae), Labcorp).

NM_005051.3(QARS1):c.793C>T (p.Arg265Cys)

Gene: QARS1 (glutaminyl-tRNA synthetase 1; minus strand). Cytogenetic location: 3p21.31.
Variant type: single nucleotide variant.
Coding change: c.793C>T on transcript NM_005051.3 (MANE Select); coding-DNA position 793, C replaced by T.
Protein change: p.Arg265Cys; replaces arginine 265 with cysteine.
Molecular consequence: missense variant. On other transcripts: non-coding transcript variant (1).
Genome position (GRCh38, 1-based): chr3:49,101,438, G>A on the plus strand (C>T on the coding strand, the complement: QARS1 is on the minus strand). VCF-style: chr3-49101438-G-A. GRCh37 (hg19) VCF-style: chr3-49138871-G-A.
Other names: c.760C>T, p.Arg254Cys (NM_001272073.2); c.793C>T (NM_005051.2); short protein forms R254C, R265C.
Identifiers: ClinVar variation 1481479 (VCV001481479.9), dbSNP rs1559968699, ClinGen allele CA352714329.